The following is an entry in ClinVar:

ClinVar aggregate classification (germline): Pathogenic (1 of 4 stars; one submission).

Conditions:
Hereditary cancer-predisposing syndrome. Also called: Hereditary Cancer Syndrome; Hereditary neoplastic syndrome; Tumor predisposition; Neoplastic Syndromes, Hereditary. Identifiers: Orphanet 140162, MedGen C0027672, MeSH D009386, MONDO:0015356.

Submission:

Ambry Genetics
Classification: Pathogenic for Hereditary cancer-predisposing syndrome. Last evaluated: 2019-09-09. Review status: criteria provided, single submitter. Criteria: Ambry Variant Classification Scheme 2023. Collection method: clinical testing. Allele origin: germline.
Comment: The c.2357_2373del17 variant, located in coding exon 14 of the PMS2 gene, results from a deletion of 17 nucleotides at nucleotide positions 2357 to 2373, causing a translational frameshift with a predicted alternate stop codon (p.L786Rfs*32). This alteration is expected to result in loss of function by premature protein truncation or nonsense-mediated mRNA decay. As such, this alteration is interpreted as a disease-causing mutation.

NM_000535.7(PMS2):c.2357_2373del (p.Leu786fs)

Gene: PMS2 (PMS1 homolog 2, mismatch repair system component; minus strand). Cytogenetic location: 7p22.1.
Variant type: Deletion.
Coding change: c.2357_2373del on transcript NM_000535.7 (MANE Select); coding-DNA positions 2357 to 2373, 17 bases deleted (TGATCTTCATGCTGAGC).
Protein change: p.Leu786fs; shifts the reading frame from leucine 786.
Molecular consequence: frameshift variant. On other transcripts: non-coding transcript variant (1).
Genome position (GRCh38, 1-based): chr7:5,977,660-5,977,676, GCTCAGCATGAAGATCA deleted on the plus strand (TGATCTTCATGCTGAGC on the coding strand, the reverse complement: PMS2 is on the minus strand); deleting any 17 consecutive bases within chr7:5,977,660-5,977,677 gives the same sequence; the c. name uses the placement nearest the transcript's 3' end. VCF-style (leftmost placement, unchanged base first): chr7-5977659-CGCTCAGCATGAAGATCA-C. GRCh37 (hg19) VCF-style: chr7-6017290-CGCTCAGCATGAAGATCA-C.
Other names: c.1585_1601del17, p.Leu529Argfs (NM_001406911.1); c.1153_1169del17, p.Leu385Argfs (NM_001406912.1); c.1951_1967del17, p.Leu651Argfs (NM_001018040.1, NM_001406889.1, NM_001406890.1 and 9 more transcripts); c.1952_1968del, p.Leu651fs (NM_001322003.2, NM_001322004.2, NM_001322005.2); c.2201_2217del, p.Leu734fs (NM_001322006.2); c.2039_2055del, p.Leu680fs (NM_001322007.2, NM_001322008.2); c.1985_2001del, p.Leu662fs (NM_001322009.2); c.1796_1812del, p.Leu599fs (NM_001322010.2); and 27 more; short protein forms L475fs, L595fs, L662fs, L734fs, L797fs, L599fs, L683fs, L651fs.
Identifiers: ClinVar variation 1790084 (VCV001790084.2), dbSNP rs2535321025, ClinGen allele CA2580076800.
Genomic context (GRCh38, chr7:5,977,659, plus strand): 5'-AGGCTCTGGAGGCAAACATCTGCTTGACTCGGGAAGGCCGGCACATGACCCCAGGGCTGT[CGCTCAGCATGAAGATCA>C]GTTCATCGACGTCCTGGGGTCCGAAGGTCCAGTTTTTACTAGTTGGCAAGGAAATCAGTT-3'